The following is an entry in ClinVar:

NM_001273.5(CHD4):c.3401A>G (p.Asn1134Ser)

Gene: CHD4 (chromodomain helicase DNA binding protein 4; minus strand). Cytogenetic location: 12p13.31.
Variant type: single nucleotide variant.
Coding change: c.3401A>G on transcript NM_001273.5 (MANE Select); coding-DNA position 3401, A replaced by G.
Protein change: p.Asn1134Ser; replaces asparagine 1134 with serine.
Molecular consequence: missense variant.
Genome position (GRCh38, 1-based): chr12:6,588,362, T>C on the plus strand (A>G on the coding strand, the complement: CHD4 is on the minus strand). VCF-style: chr12-6588362-T-C. GRCh37 (hg19) VCF-style: chr12-6697528-T-C.
Other names: c.3380A>G, p.Asn1127Ser (NM_001297553.2); c.3362A>G, p.Asn1121Ser (NM_001363606.2); short protein forms N1121S, N1127S, N1134S.
Identifiers: ClinVar variation 3029660 (VCV003029660.3), dbSNP rs2540391121, ClinGen allele CA383582798.

ClinVar aggregate classification (germline): Likely pathogenic (1 of 4 stars; one submission).

Conditions:
CHD4-related disorder. Also called: CHD4-related condition.

Submission:

PreventionGenetics, part of Exact Sciences
Classification: Likely pathogenic for CHD4-related condition. Last evaluated: 2026-04-10. Review status: criteria provided, single submitter. Criteria: ACMG Guidelines, 2015. Collection method: clinical testing. Allele origin: germline.
Comment: The CHD4 c.3401A>G variant is predicted to result in the amino acid substitution p.Asn1134Ser. This variant has been reported in an individual undergoing genetic testing however additional information was regarding phenotype of the individual was not provided (Table S7, Stranneheim et al. 2021. PubMed ID: 33726816). This variant has not been reported in a large population database, indicating this variant is rare. This variant is interpreted as likely pathogenic.